The following is an entry in ClinVar:

NM_004046.6(ATP5F1A):c.545G>C (p.Arg182Pro)

Gene: ATP5F1A (ATP synthase F1 subunit alpha; minus strand). Cytogenetic location: 18q21.1.
Variant type: single nucleotide variant.
Coding change: c.545G>C on transcript NM_004046.6 (MANE Select); coding-DNA position 545, G replaced by C.
Protein change: p.Arg182Pro; replaces arginine 182 with proline.
Molecular consequence: missense variant.
Genome position (GRCh38, 1-based): chr18:46,089,671, C>G on the plus strand (G>C on the coding strand, the complement: ATP5F1A is on the minus strand). VCF-style: chr18-46089671-C-G. GRCh37 (hg19) VCF-style: chr18-43669637-C-G.
Other names: c.395G>C, p.Arg132Pro (NM_001001935.3, NM_001257335.2); c.545G>C, p.Arg182Pro (NM_001001937.2); c.479G>C, p.Arg160Pro (NM_001257334.2); short protein forms R132P, R160P, R182P.
Identifiers: ClinVar variation 5016823 (VCV005016823.1).

ClinVar aggregate classification (germline): Pathogenic (1 of 4 stars; one submission).

Submission:

GeneDx
Classification: Pathogenic. Last evaluated: 2026-03-22. Review status: criteria provided, single submitter. Criteria: GeneDx Variant Classification Process June 2021. Collection method: clinical testing. Allele origin: germline.
Comment: Not observed at significant frequency in large population cohorts (gnomAD); In silico analysis supports that this missense variant has a deleterious effect on protein structure/function; This variant is associated with the following publications: (PMID: 35982159, 33057194)